The following is an entry in ClinVar:

NM_006208.3(ENPP1):c.1026T>A (p.Gly342=)

Gene: ENPP1 (ectonucleotide pyrophosphatase/phosphodiesterase 1; plus strand). Cytogenetic location: 6q23.2.
Variant type: single nucleotide variant.
Coding change: c.1026T>A on transcript NM_006208.3 (MANE Select); coding-DNA position 1026, T replaced by A.
Protein change: p.Gly342=; no amino-acid change (glycine 342 retained).
Molecular consequence: synonymous variant.
Genome position (GRCh38, 1-based): chr6:131,864,506, T>A. VCF-style: chr6-131864506-T-A. GRCh37 (hg19) VCF-style: chr6-132185646-T-A.
Identifiers: ClinVar variation 3641394 (VCV003641394.2).

ClinVar aggregate classification (germline): Uncertain significance (1 of 4 stars; one submission).

gnomAD v4.1: 1 of 1,599,230 alleles (0.000063%); highest among the groups gnomAD compares: Admixed American, 0.0017%; no homozygotes.

Submission:

Labcorp Genetics (formerly Invitae), Labcorp
Classification: Uncertain significance. Last evaluated: 2024-02-24. Review status: criteria provided, single submitter. Criteria: Invitae Variant Classification Sherloc (09022015). Collection method: clinical testing. Allele origin: germline.
Comment: This sequence change affects codon 342 of the ENPP1 mRNA. It is a 'silent' change, meaning that it does not change the encoded amino acid sequence of the ENPP1 protein. It affects a nucleotide within the consensus splice site. This variant is present in population databases (no rsID available, gnomAD 0.003%). This variant has not been reported in the literature in individuals affected with ENPP1-related conditions. Algorithms developed to predict the effect of sequence changes on RNA splicing suggest that this variant is not likely to affect RNA splicing. In summary, the available evidence is currently insufficient to determine the role of this variant in disease. Therefore, it has been classified as a Variant of Uncertain Significance.